The following is an entry in ClinVar:

NM_024649.5(BBS1):c.84C>T (p.Tyr28=)

Gene: BBS1 (Bardet-Biedl syndrome 1; plus strand). Cytogenetic location: 11q13.2.
Variant type: single nucleotide variant.
Coding change: c.84C>T on transcript NM_024649.5 (MANE Select); coding-DNA position 84, C replaced by T.
Protein change: p.Tyr28=; no amino-acid change (tyrosine 28 retained).
Molecular consequence: synonymous variant.
Genome position (GRCh38, 1-based): chr11:66,511,049, C>T. VCF-style: chr11-66511049-C-T. GRCh37 (hg19) VCF-style: chr11-66278520-C-T.
Other names: c.84C>T (NM_024649.4).
Identifiers: ClinVar variation 1121309 (VCV001121309.10), dbSNP rs771560964, ClinGen allele CA6123231.

ClinVar aggregate classification (germline): Likely benign. Review status: criteria provided, multiple submitters, no conflicts (2 of 4 stars). 2 submissions from 2 submitters: Likely benign (2). Last evaluated 2025-05-12.

Conditions:
Bardet-Biedl syndrome (BBS). Identifiers: Orphanet 110, MedGen C0752166, MONDO:0015229.
BBS1-related disorder. Also called: BBS1-related condition.

Allele frequency attached by ClinVar (database versions not stated): gnomAD exomes below 0.00001; TOPMed below 0.00001; ExAC 0.00001.
gnomAD v4.1: 7 of 1,614,136 alleles (0.00043%); highest among the groups gnomAD compares: Non-Finnish European, 0.00059%; no homozygotes.

Submissions (2):

PreventionGenetics, part of Exact Sciences
Classification: Likely benign for BBS1-related condition. Last evaluated: 2025-05-12. Review status: criteria provided, single submitter. Criteria: ACMG Guidelines, 2015. Collection method: clinical testing. Allele origin: germline.
Comment: This variant is classified as likely benign based on ACMG/AMP sequence variant interpretation guidelines (Richards et al. 2015 PMID: 25741868, with internal and published modifications).

Labcorp Genetics (formerly Invitae), Labcorp
Classification: Likely benign for Bardet-Biedl syndrome. Last evaluated: 2022-04-05. Review status: criteria provided, single submitter. Criteria: Invitae Variant Classification Sherloc (09022015). Collection method: clinical testing. Allele origin: germline.